The following is an entry in ClinVar:

ClinVar aggregate classification (germline): Pathogenic (1 of 4 stars; one submission).

Conditions:
Kabuki syndrome 1 (KABUK1). Also called: KMT2D-Related Kabuki Syndrome. Identifiers: Orphanet 2322, MedGen CN030661, MONDO:0007843, OMIM 147920.

Submission:

Baylor Genetics
Classification: Pathogenic for Kabuki syndrome 1. Last evaluated: 2020-05-15. Review status: criteria provided, single submitter. Criteria: ACMG Guidelines, 2015. Collection method: clinical testing. Allele origin: unknown. Affected: yes.
Comment: This variant was determined to be pathogenic according to ACMG Guidelines, 2015 [PMID:25741868].

NM_003482.4(KMT2D):c.6110-2A>G

Gene: KMT2D (lysine methyltransferase 2D; minus strand). Cytogenetic location: 12q13.12.
Variant type: single nucleotide variant.
Coding change: c.6110-2A>G on transcript NM_003482.4 (MANE Select); the canonical splice acceptor site of the intron before coding-DNA position 6110, A replaced by G.
Molecular consequence: splice acceptor variant.
Genome position (GRCh38, 1-based): chr12:49,041,992, T>C on the plus strand (A>G on the coding strand, the complement: KMT2D is on the minus strand). VCF-style: chr12-49041992-T-C. GRCh37 (hg19) VCF-style: chr12-49435775-T-C.
Identifiers: ClinVar variation 1028116 (VCV001028116.1), dbSNP rs1943556576, ClinGen allele CA384626523.